The following is an entry in ClinVar:

NM_152564.5(VPS13B):c.8995-1G>A

Gene: VPS13B (vacuolar protein sorting 13 homolog B; plus strand). Cytogenetic location: 8q22.2.
Variant type: single nucleotide variant.
Coding change: c.8995-1G>A on transcript NM_152564.5 (MANE Select); the canonical splice acceptor site of the intron before coding-DNA position 8995, G replaced by A.
Molecular consequence: splice acceptor variant.
Genome position (GRCh38, 1-based): chr8:99,821,293, G>A. VCF-style: chr8-99821293-G-A. GRCh37 (hg19) VCF-style: chr8-100833521-G-A.
Other names: c.9070-1G>A (NM_017890.5).
Identifiers: ClinVar variation 2088482 (VCV002088482.4), dbSNP rs2492020273, ClinGen allele CA371777704.

ClinVar aggregate classification (germline): Likely pathogenic (1 of 4 stars; one submission).

Conditions:
Cohen syndrome (COH1). Also called: Cutis verticis gyrata, retinitis pigmentosa, and sensorineural deafness; PEPPER SYNDROME. Identifiers: Orphanet 193, MedGen C0265223, MONDO:0008999, OMIM 216550.

Submission:

Labcorp Genetics (formerly Invitae), Labcorp
Classification: Likely pathogenic for Cohen syndrome. Last evaluated: 2024-10-24. Review status: criteria provided, single submitter. Criteria: Invitae Variant Classification Sherloc (09022015). Collection method: clinical testing. Allele origin: germline.
Comment: This sequence change affects an acceptor splice site in intron 49 of the VPS13B gene. It is expected to disrupt RNA splicing. Variants that disrupt the donor or acceptor splice site typically lead to a loss of protein function (PMID: 16199547), and loss-of-function variants in VPS13B are known to be pathogenic (PMID: 15141358, 16648375, 20461111). This variant is not present in population databases (gnomAD no frequency). This variant has not been reported in the literature in individuals affected with VPS13B-related conditions. ClinVar contains an entry for this variant (Variation ID: 2088482). Algorithms developed to predict the effect of sequence changes on RNA splicing suggest that this variant may disrupt the consensus splice site. In summary, the currently available evidence indicates that the variant is pathogenic, but additional data are needed to prove that conclusively. Therefore, this variant has been classified as Likely Pathogenic.

Literature cited by the submitters: PubMed 16199547; PubMed 15141358; PubMed 16648375; PubMed 20461111.